The following is an entry in ClinVar:

NM_003476.5(CSRP3):c.357G>T (p.Lys119Asn)

Gene: CSRP3 (cysteine and glycine rich protein 3; minus strand). Cytogenetic location: 11p15.1.
Variant type: single nucleotide variant.
Coding change: c.357G>T on transcript NM_003476.5 (MANE Select); coding-DNA position 357, G replaced by T.
Protein change: p.Lys119Asn; replaces lysine 119 with asparagine.
Molecular consequence: missense variant.
Genome position (GRCh38, 1-based): chr11:19,186,273, C>A on the plus strand (G>T on the coding strand, the complement: CSRP3 is on the minus strand). VCF-style: chr11-19186273-C-A. GRCh37 (hg19) VCF-style: chr11-19207820-C-A.
Other names: p.Lys119Asn; c.357G>T, p.Lys119Asn (NM_001127656.1); c.188G>T, p.Ser63Ile (NM_001369404.1); short protein forms K119N, S63I.
Identifiers: ClinVar variation 2664942 (VCV002664942.2), dbSNP rs1850523523, ClinGen allele CA379887944.

ClinVar aggregate classification (germline): Uncertain significance (1 of 4 stars; one submission).

Conditions:
Hypertrophic cardiomyopathy. Also called: HYPERTROPHIC MYOCARDIOPATHY. Identifiers: Orphanet 217569, MedGen C0007194, MeSH D002312, MONDO:0005045, HP:0001639.

Submission:

Petrovsky National Research Centre of Surgery, The Federal Agency for Scientific Organizations
Classification: Uncertain significance for Hypertrophic cardiomyopathy. Last evaluated: 2023-11-24. Review status: criteria provided, single submitter. Criteria: ACMG Guidelines, 2015. Collection method: clinical testing. Allele origin: germline. Affected: yes.
Comment: This variant is absent in The Genome Aggregation Database (gnomAD) v2.1.1 and v4.0.0 (Date of access 24-11-2023). This variant has not been reported in any study to our knowledge. Most in silico predictors are inconclusive in the results. In accordance with ACMG(2015) criteria this variant is classified as Variant of Uncertain Significance (VUS) with following criteria selected: PM2, BP4.